The following is an entry in ClinVar:

NM_178138.6(LHX3):c.576del (p.Glu193fs)

Gene: LHX3 (LIM homeobox 3; minus strand). Cytogenetic location: 9q34.3.
Variant type: Deletion.
Coding change: c.576del on transcript NM_178138.6 (MANE Select); coding-DNA position 576, one base deleted (C; older notation c.576delC).
Protein change: p.Glu193fs; shifts the reading frame from glutamic acid 193.
Molecular consequence: frameshift variant.
Genome position (GRCh38, 1-based): chr9:136,198,938, G deleted on the plus strand (C on the coding strand, the reverse complement: LHX3 is on the minus strand); the first of 2 consecutive G bases (chr9:136,198,938-136,198,939); deleting either gives the same sequence. VCF-style (leftmost placement, unchanged base first): chr9-136198937-CG-C. GRCh37 (hg19) VCF-style: chr9-139090783-CG-C.
Other names: c.543del, p.Glu182fs (NM_001363746.1); c.591del, p.Glu198fs (NM_014564.5); short protein forms E182fs, E193fs, E198fs.
Identifiers: ClinVar variation 1073694 (VCV001073694.7), dbSNP rs2131032918, ClinGen allele CA2499219781.

ClinVar aggregate classification (germline): Pathogenic (1 of 4 stars; one submission).

Submission:

Labcorp Genetics (formerly Invitae), Labcorp
Classification: Pathogenic. Last evaluated: 2020-04-05. Review status: criteria provided, single submitter. Criteria: Invitae Variant Classification Sherloc (09022015). Collection method: clinical testing. Allele origin: germline.
Comment: For these reasons, this variant has been classified as Pathogenic. Loss-of-function variants in LHX3 are known to be pathogenic (PMID: 16394081, 18407919). This variant has not been reported in the literature in individuals with LHX3-related conditions. This variant is not present in population databases (ExAC no frequency). This sequence change creates a premature translational stop signal (p.Glu198Argfs*23) in the LHX3 gene. It is expected to result in an absent or disrupted protein product.

Literature cited by the submitters: PubMed 16394081; PubMed 18407919.